The following is an entry in ClinVar:

NM_000268.4(NF2):c.212C>A (p.Thr71Lys)

Gene: NF2 (NF2, moesin-ezrin-radixin like (MERLIN) tumor suppressor; plus strand). Cytogenetic location: 22q12.2.
Variant type: single nucleotide variant.
Coding change: c.212C>A on transcript NM_000268.4 (MANE Select); coding-DNA position 212, C replaced by A.
Protein change: p.Thr71Lys; replaces threonine 71 with lysine.
Molecular consequence: missense variant. On other transcripts: 5 prime UTR variant (2), intron variant (6).
Genome position (GRCh38, 1-based): chr22:29,636,848, C>A. VCF-style: chr22-29636848-C-A. GRCh37 (hg19) VCF-style: chr22-30032837-C-A.
Other names: c.98C>A, p.Thr33Lys (NM_001407053.1, NM_001407056.1); c.212C>A, p.Thr71Lys (NM_001407054.1, NM_001407057.1, NM_001407058.1 and 9 more transcripts); c.-429C>A (NM_001407065.1); c.-45C>A (NM_001407067.1); c.115-2242C>A (NM_181828.3, NM_001407055.1); c.115-5354C>A (NM_001407063.1, NM_181830.3, NM_001407064.1 and 1 more transcripts); short protein forms T71K, T33K.
Identifiers: ClinVar variation 3677597 (VCV003677597.3).
Genomic context (GRCh38, chr22:29,636,848, plus strand): 5'-GCCGGACTCTGGGGCTCCGAGAAACCTGGTTCTTTGGACTGCAGTACACAATCAAGGACA[C>A]AGTGGCCTGGCTCAAAATGGACAAGAAGGTTGGGCTAGAACTCGATGAAACTGGTGGGGC-3'
Protein context (NP_000259.1, residues 61-81): FFGLQYTIKD[Thr71Lys]VAWLKMDKKV

ClinVar aggregate classification (germline): Uncertain significance. Review status: criteria provided, multiple submitters, no conflicts (2 of 4 stars). 2 submissions from 2 submitters: Uncertain significance (2). Last evaluated 2026-04-23.

Conditions:
Hereditary cancer-predisposing syndrome. Also called: Hereditary neoplastic syndrome; Tumor predisposition; Hereditary Cancer Syndrome; Neoplastic Syndromes, Hereditary. Identifiers: Orphanet 140162, MedGen C0027672, MeSH D009386, MONDO:0015356.
Neurofibromatosis, type 2 (SWNV). Also called: BILATERAL ACOUSTIC NEUROFIBROMATOSIS; SCHWANNOMATOSIS, VESTIBULAR; NF2-Related Schwannomatosis. Identifiers: Orphanet 637, MedGen C0027832, MONDO:0007039, OMIM 101000. Disease mechanism: loss of function.

Submissions (2):

Ambry Genetics
Classification: Uncertain significance for Hereditary cancer-predisposing syndrome. Last evaluated: 2026-04-23. Review status: criteria provided, single submitter. Criteria: Ambry Variant Classification Scheme 2023. Collection method: clinical testing. Allele origin: germline.
Comment: The p.T71K variant (also known as c.212C>A), located in coding exon 2 of the NF2 gene, results from a C to A substitution at nucleotide position 212. The threonine at codon 71 is replaced by lysine, an amino acid with similar properties. This amino acid position is conserved. In addition, the in silico prediction for this alteration is inconclusive. Based on the available evidence, the clinical significance of this variant remains unclear.

Labcorp Genetics (formerly Invitae), Labcorp
Classification: Uncertain significance for Neurofibromatosis, type 2. Last evaluated: 2025-01-06. Review status: criteria provided, single submitter. Criteria: Invitae Variant Classification Sherloc (09022015). Collection method: clinical testing. Allele origin: germline.
Comment: This sequence change replaces threonine, which is neutral and polar, with lysine, which is basic and polar, at codon 71 of the NF2 protein (p.Thr71Lys). This variant is not present in population databases (gnomAD no frequency). This variant has not been reported in the literature in individuals affected with NF2-related conditions. Invitae Evidence Modeling of protein sequence and biophysical properties (such as structural, functional, and spatial information, amino acid conservation, physicochemical variation, residue mobility, and thermodynamic stability) indicates that this missense variant is not expected to disrupt NF2 protein function with a negative predictive value of 80%. In summary, the available evidence is currently insufficient to determine the role of this variant in disease. Therefore, it has been classified as a Variant of Uncertain Significance.